The following is an entry in ClinVar:

ClinVar aggregate classification (germline): Conflicting classifications of pathogenicity. Review status: criteria provided, conflicting classifications (1 of 4 stars). 6 submissions from 6 submitters: Likely pathogenic (2); Uncertain significance (3). 1 of the submissions does not count toward it. Last evaluated 2025-04-18.

Conditions:
CNGA1-related disorder. Also called: CNGA1-related condition.
Retinitis pigmentosa (RP). Identifiers: Orphanet 791, MedGen C0035334, MeSH D012174, MONDO:0019200, OMIM 268000. Inheritance: Autosomal dominant, autosomal recessive and X linked inheritance.
Retinitis pigmentosa 49 (RP49). Identifiers: Orphanet 791, MedGen C3151059, MONDO:0013405, OMIM 613756.

Allele frequency attached by ClinVar (database versions not stated): ExAC 0.00002; TOPMed 0.00002; gnomAD 0.00003 and 0.00004; gnomAD exomes 0.00003; ESP Exome Variant Server 0.00008.
gnomAD v4.1: 24 of 1,613,974 alleles (0.0015%); highest among the groups gnomAD compares: East Asian, 0.016%; no homozygotes.

Submissions (6):

PreventionGenetics, part of Exact Sciences
Classification: Uncertain significance for CNGA1-related condition. Last evaluated: 2025-04-18. Review status: criteria provided, single submitter. Criteria: ACMG Guidelines, 2015. Collection method: clinical testing. Allele origin: germline.
Comment: The CNGA1 c.839G>A variant is predicted to result in the amino acid substitution p.Arg280His. This variant has been reported in the homozygous state in an individual with autosomal recessive retinitis pigmentosa (Saito et al. 2021. PubMed ID: 33633220). This variant is reported in 0.017% of alleles in individuals of African descent in gnomAD. Although we suspect that this variant may be pathogenic, at this time, the clinical significance of this variant is uncertain due to the absence of conclusive functional and genetic evidence.

Labcorp Genetics (formerly Invitae), Labcorp
Classification: Uncertain significance. Last evaluated: 2023-08-04. Review status: criteria provided, single submitter. Criteria: Invitae Variant Classification Sherloc (09022015). Collection method: clinical testing. Allele origin: germline.
Comment: In summary, the available evidence is currently insufficient to determine the role of this variant in disease. Therefore, it has been classified as a Variant of Uncertain Significance. An algorithm developed to predict the effect of missense changes on protein structure and function (PolyPhen-2) suggests that this variant is likely to be disruptive. ClinVar contains an entry for this variant (Variation ID: 143096). This variant is also known as p.R349H. This missense change has been observed in individuals with CNGA1-related conditions (PMID: 25324289, 33090715; Invitae). This variant is present in population databases (rs375412499, gnomAD 0.02%). This sequence change replaces arginine, which is basic and polar, with histidine, which is basic and polar, at codon 280 of the CNGA1 protein (p.Arg280His).

Blueprint Genetics
Classification: Likely pathogenic for CNGA1-related disorders. Last evaluated: 2023-05-05. Review status: criteria provided, single submitter. Criteria: ACMG Guidelines, 2015. Collection method: clinical testing. Allele origin: germline. Affected: yes. Observed: 5 variant alleles.

Illumina Laboratory Services, Illumina
Classification: Uncertain significance for Retinitis pigmentosa. Last evaluated: 2017-04-27. Review status: criteria provided, single submitter. Criteria: ICSL Variant Classification Criteria 13 December 2019. Collection method: clinical testing. Allele origin: germline.

Juno Genomics, Hangzhou Juno Genomics, Inc
Classification: Likely pathogenic for Retinitis pigmentosa 49. Review status: criteria provided, single submitter. Criteria: ACMG Guidelines, 2015. Collection method: clinical testing. Allele origin: germline.
Comment: Absent from controls (or at extremely low frequency if recessive) in Genome Aggregation Database.;For recessive disorders, detected in trans with a pathogenic variant.;Patient's phenotype or family history is highly specific for a disease with a single genetic etiology.;Multiple lines of computational evidence support a deleterious effect on the gene or gene product.

Department of Ophthalmology and Visual Sciences Kyoto University
Classification: Likely pathogenic for Retinitis pigmentosa. Review status: no assertion criteria provided. Collection method: not provided. Allele origin: unknown. Not counted in ClinVar's aggregate classification.
ClinVar note: Converted during submission from probable-pathogenic to Likely pathogenic.

Literature cited by the submitters: PubMed 25324289 (cited by Labcorp Genetics (formerly Invitae), Labcorp); PubMed 33090715 (cited by Labcorp Genetics (formerly Invitae), Labcorp).

NM_001379270.1(CNGA1):c.827G>A (p.Arg276His)

Genes: CNGA1 (cyclic nucleotide gated channel subunit alpha 1; minus strand), LOC101927157 (uncharacterized LOC101927157; plus strand). Cytogenetic location: 4p12.
Variant type: single nucleotide variant.
Coding change: c.827G>A on transcript NM_001379270.1 (MANE Select); coding-DNA position 827, G replaced by A.
Protein change: p.Arg276His; replaces arginine 276 with histidine.
Molecular consequence: missense variant.
Genome position (GRCh38, 1-based): chr4:47,937,655, C>T on the plus strand (G>A on the coding strand, the complement: CNGA1 is on the minus strand). VCF-style: chr4-47937655-C-T. GRCh37 (hg19) VCF-style: chr4-47939672-C-T.
Other names: c.827G>A, p.Arg276His (NM_000087.5, NM_001142564.2); short protein forms R349H, R276H.
Identifiers: ClinVar variation 143096 (VCV000143096.15), dbSNP rs375412499, ClinGen allele CA270042.